The following is an entry in ClinVar:

ClinVar aggregate classification (germline): Likely pathogenic (1 of 4 stars; one submission).

Conditions:
Wilson disease (WND). Also called: Wilson's disease. Identifiers: Orphanet 905, MedGen C0019202, MONDO:0010200, OMIM 277900. Disease mechanism: loss of function.

Submission:

Labcorp Genetics (formerly Invitae), Labcorp
Classification: Likely pathogenic for Wilson disease. Last evaluated: 2024-05-28. Review status: criteria provided, single submitter. Criteria: Invitae Variant Classification Sherloc (09022015). Collection method: clinical testing. Allele origin: germline.
Comment: This sequence change affects a splice site in intron 13 of the ATP7B gene. It is expected to disrupt RNA splicing. Variants that disrupt the donor or acceptor splice site typically lead to a loss of protein function (PMID: 16199547), and loss-of-function variants in ATP7B are known to be pathogenic (PMID: 10441329, 16283883). This variant is not present in population databases (gnomAD no frequency). This variant has not been reported in the literature in individuals affected with ATP7B-related conditions. Algorithms developed to predict the effect of sequence changes on RNA splicing suggest that this variant may disrupt the consensus splice site. In summary, the currently available evidence indicates that the variant is pathogenic, but additional data are needed to prove that conclusively. Therefore, this variant has been classified as Likely Pathogenic.

Literature cited by the submitters: PubMed 16199547; PubMed 10441329; PubMed 16283883.

NM_000053.4(ATP7B):c.3061-9_3061-1del

Gene: ATP7B (ATPase copper transporting beta; minus strand). Cytogenetic location: 13q14.3.
Variant type: Deletion.
Coding change: c.3061-9_3061-1del on transcript NM_000053.4 (MANE Select); 9 bases into the intron before coding-DNA position 3061 through the canonical splice acceptor site of the intron before coding-DNA position 3061, 9 bases deleted (TTTTGGCAG; older notation c.3061-9_3061-1delTTTTGGCAG).
Molecular consequence: splice acceptor variant. On other transcripts: intron variant (2).
Genome position (GRCh38, 1-based): chr13:51,944,292-51,944,300, CTGCCAAAA deleted on the plus strand (TTTTGGCAG on the coding strand, the reverse complement: ATP7B is on the minus strand). VCF-style (leftmost placement, unchanged base first): chr13-51944291-TCTGCCAAAA-T. GRCh37 (hg19) VCF-style: chr13-52518427-TCTGCCAAAA-T.
Other names: c.2575-9_2575-1del (NM_001406541.1, NM_001406542.1); c.2809-9_2809-1del (NM_001406531.1, NM_001406532.1, NM_001330579.2); c.2827-9_2827-1del (NM_001406527.1, NM_001406528.1, NM_001406538.1 and 1 more transcripts); c.2722-9_2722-1del (NM_001406537.1); c.2917-9_2917-1del (NM_001406521.1, NM_001406522.1, NM_001406520.1); c.3061-15_3061-7del (NM_001406513.1); c.3061-9_3061-1del (NM_001406511.1, NM_001406512.1, NM_001406526.1); c.2713-9_2713-1del (NM_001406543.1); and 19 more.
Identifiers: ClinVar variation 3654830 (VCV003654830.2).